The following is an entry in ClinVar:

Conditions:
Long QT syndrome 5 (LQT5). Identifiers: Orphanet 101016, Orphanet 768, MedGen C1867904, MONDO:0013372, OMIM 613695.

Submission:

Roden Lab, Vanderbilt University Medical Center
No classification provided (evidence only). Condition: Long QT syndrome 5. Review status: no classification provided. Collection method: in vitro. Allele origin: not applicable. Functional consequence: Effect on ion channel function.
ClinVar note: "not provided" was previously submitted as the classification for the variant. However, the classification appeared to be based only on an observation of functional data so it was converted to no classification on 2025-07-30.

NM_000219.6(KCNE1):c.29C>A (p.Thr10Lys)

Gene: KCNE1 (potassium voltage-gated channel subfamily E regulatory subunit 1; minus strand). Cytogenetic location: 21q22.12.
Variant type: single nucleotide variant.
Coding change: c.29C>A on transcript NM_000219.6 (MANE Select); coding-DNA position 29, C replaced by A.
Protein change: p.Thr10Lys; replaces threonine 10 with lysine.
Molecular consequence: missense variant.
Genome position (GRCh38, 1-based): chr21:34,449,606, G>T on the plus strand (C>A on the coding strand, the complement: KCNE1 is on the minus strand). VCF-style: chr21-34449606-G-T. GRCh37 (hg19) VCF-style: chr21-35821904-G-T.
Other names: c.29C>A, p.Thr10Lys (NM_001127668.4, NM_001127669.4, NM_001127670.4 and 4 more transcripts); short protein forms T10K.
Identifiers: ClinVar variation 3374552 (VCV003374552.2).
Genomic context (GRCh38, chr21:34,449,606, plus strand): 5'-AGGCCCGACATGTTGCCACCCTGCTGAACTGTCTCCTGCCACAGCTTGGTCAGAAAGGGC[G>T]TCACCGCTGTGGTGTTAGACAGGATCATCCTGGGCATTAAGGTTCCACTGCTGCAGCTCA-3'
Protein context (NP_000210.2, residues 1-20): MILSNTTAV[Thr10Lys]PFLTKLWQET